The following is an entry in ClinVar:

ClinVar aggregate classification (germline): Uncertain significance (1 of 4 stars; one submission).

Submission:

Labcorp Genetics (formerly Invitae), Labcorp
Classification: Uncertain significance. Last evaluated: 2025-02-24. Review status: criteria provided, single submitter. Criteria: Invitae Variant Classification Sherloc (09022015). Collection method: clinical testing. Allele origin: germline.
Comment: This sequence change replaces leucine, which is neutral and non-polar, with valine, which is neutral and non-polar, at codon 357 of the MMP13 protein (p.Leu357Val). This variant is present in population databases (rs781855015, gnomAD 0.003%). This variant has not been reported in the literature in individuals affected with MMP13-related conditions. ClinVar contains an entry for this variant (Variation ID: 2053045). Invitae Evidence Modeling of protein sequence and biophysical properties (such as structural, functional, and spatial information, amino acid conservation, physicochemical variation, residue mobility, and thermodynamic stability) indicates that this missense variant is not expected to disrupt MMP13 protein function with a negative predictive value of 80%. In summary, the available evidence is currently insufficient to determine the role of this variant in disease. Therefore, it has been classified as a Variant of Uncertain Significance.

NM_002427.4(MMP13):c.1069C>G (p.Leu357Val)

Gene: MMP13 (matrix metallopeptidase 13; minus strand). Cytogenetic location: 11q22.2.
Variant type: single nucleotide variant.
Coding change: c.1069C>G on transcript NM_002427.4 (MANE Select); coding-DNA position 1069, C replaced by G.
Protein change: p.Leu357Val; replaces leucine 357 with valine.
Molecular consequence: missense variant.
Genome position (GRCh38, 1-based): chr11:102,948,033, G>C on the plus strand (C>G on the coding strand, the complement: MMP13 is on the minus strand). VCF-style: chr11-102948033-G-C. GRCh37 (hg19) VCF-style: chr11-102818762-G-C.
Other names: short protein forms L357V.
Identifiers: ClinVar variation 2053045 (VCV002053045.4), dbSNP rs781855015, ClinGen allele CA6251790.